The following is an entry in ClinVar:

ClinVar aggregate classification (germline): Uncertain significance (1 of 4 stars; one submission).

Conditions:
Severe combined immunodeficiency due to DNA-PKcs deficiency. Also called: IMMUNODEFICIENCY 26 WITH NEUROLOGIC ABNORMALITIES; Immunodeficiency 26 with or without neurologic abnormalities. Identifiers: Orphanet 317425, MedGen C4014833, MONDO:0014423, OMIM 615966.

Submission:

Labcorp Genetics (formerly Invitae), Labcorp
Classification: Uncertain significance for Severe combined immunodeficiency due to DNA-PKcs deficiency. Last evaluated: 2022-04-18. Review status: criteria provided, single submitter. Criteria: Invitae Variant Classification Sherloc (09022015). Collection method: clinical testing. Allele origin: germline.
Comment: In summary, the available evidence is currently insufficient to determine the role of this variant in disease. Therefore, it has been classified as a Variant of Uncertain Significance. Experimental studies and prediction algorithms are not available or were not evaluated, and the functional significance of this variant is currently unknown. This variant has not been reported in the literature in individuals affected with PRKDC-related conditions. This variant is not present in population databases (gnomAD no frequency). This sequence change replaces serine, which is neutral and polar, with proline, which is neutral and non-polar, at codon 1472 of the PRKDC protein (p.Ser1472Pro).

NM_006904.7(PRKDC):c.4414T>C (p.Ser1472Pro)

Gene: PRKDC (protein kinase, DNA-activated, catalytic subunit; minus strand). Cytogenetic location: 8q11.21.
Variant type: single nucleotide variant.
Coding change: c.4414T>C on transcript NM_006904.7 (MANE Select); coding-DNA position 4414, T replaced by C.
Protein change: p.Ser1472Pro; replaces serine 1472 with proline.
Molecular consequence: missense variant.
Genome position (GRCh38, 1-based): chr8:47,887,705, A>G on the plus strand (T>C on the coding strand, the complement: PRKDC is on the minus strand). VCF-style: chr8-47887705-A-G. GRCh37 (hg19) VCF-style: chr8-48800266-A-G.
Other names: c.4414T>C, p.Ser1472Pro (NM_001081640.2); short protein forms S1472P.
Identifiers: ClinVar variation 2127287 (VCV002127287.4), dbSNP rs2551873408, ClinGen allele CA371144273.